The following is an entry in ClinVar:

ClinVar aggregate classification (germline): Uncertain significance (1 of 4 stars; one submission).

Conditions:
Primary ciliary dyskinesia. Also called: Ciliary dyskinesia. Identifiers: Orphanet 244, MedGen C0008780, MONDO:0016575, HP:0012265.

Submission:

Labcorp Genetics (formerly Invitae), Labcorp
Classification: Uncertain significance for Primary ciliary dyskinesia. Last evaluated: 2025-06-22. Review status: criteria provided, single submitter. Criteria: Invitae Variant Classification Sherloc (09022015). Collection method: clinical testing. Allele origin: germline.
Comment: This variant, c.2988_2999del, results in the deletion of 4 amino acid(s) of the RPGR (ORF15) protein (p.Glu1001_Glu1004del), but otherwise preserves the integrity of the reading frame. The frequency data for this variant in the population databases is considered unreliable, as metrics indicate poor data quality at this position in the gnomAD database. This variant has not been reported in the literature in individuals affected with RPGR (ORF15)-related conditions. ClinVar contains an entry for this variant (Variation ID: 3632469). Experimental studies and prediction algorithms are not available or were not evaluated, and the functional significance of this variant is currently unknown. In summary, the available evidence is currently insufficient to determine the role of this variant in disease. Therefore, it has been classified as a Variant of Uncertain Significance.

NM_001034853.2(RPGR):c.2988_2999del (p.993EEGE[2])

Gene: RPGR (retinitis pigmentosa GTPase regulator; minus strand). Cytogenetic location: Xp11.4.
Variant type: Deletion.
Coding change: c.2988_2999del on transcript NM_001034853.2 (MANE Select); coding-DNA positions 2988 to 2999, 12 bases deleted (AGAAGAAGGGGA).
Protein change: p.993EEGE[2].
Molecular consequence: intron variant (on NM_001367249.1).
Genome position (GRCh38, 1-based): chrX:38,286,000-38,286,011, TCCCCTTCTTCT deleted on the plus strand (AGAAGAAGGGGA on the coding strand, the reverse complement: RPGR is on the minus strand); deleting any 12 consecutive bases within chrX:38,286,000-38,286,019 gives the same sequence; the c. name uses the placement nearest the transcript's 3' end. VCF-style (leftmost placement, unchanged base first): chrX-38285999-CTCCCCTTCTTCT-C. GRCh37 (hg19) VCF-style: chrX-38145252-CTCCCCTTCTTCT-C.
Other names: c.1569+4948_1569+4959del (NM_001367249.1, NM_001367250.1); c.1902+1083_1902+1094del (NM_001367245.1); c.1386+4948_1386+4959del (NM_001367251.1); c.1719+1083_1719+1094del (NM_001367246.1); c.1572+4948_1572+4959del (NM_001367247.1); c.1905+1083_1905+1094del (NM_000328.3); c.1602+4948_1602+4959del (NM_001367248.1).
Identifiers: ClinVar variation 3632469 (VCV003632469.2).